The following is an entry in ClinVar:

ClinVar aggregate classification (germline): Pathogenic (1 of 4 stars; one submission).

Conditions:
Familial adenomatous polyposis 1 (FAP1). Also called: FAMILIAL ADENOMATOUS POLYPOSIS 1, ATTENUATED; POLYPOSIS, ADENOMATOUS INTESTINAL. Identifiers: MedGen C2713442, MONDO:0021056, OMIM 175100. Disease mechanism: loss of function.

Submission:

Myriad Genetics, Inc.
Classification: Pathogenic for Familial adenomatous polyposis 1. Last evaluated: 2023-04-28. Review status: criteria provided, single submitter. Criteria: Myriad Autosomal Dominant, Autosomal Recessive and X-Linked Classification Criteria (2023). Collection method: clinical testing. Allele origin: unknown.
Comment: This variant is considered pathogenic. This variant creates a termination codon and is predicted to result in premature protein truncation.

NM_000038.6(APC):c.956T>A (p.Leu319Ter)

Gene: APC (APC regulator of Wnt signaling pathway; plus strand). Cytogenetic location: 5q22.2.
Variant type: single nucleotide variant.
Coding change: c.956T>A on transcript NM_000038.6 (MANE Select); coding-DNA position 956, T replaced by A.
Protein change: p.Leu319Ter; replaces leucine 319 with a stop codon.
Molecular consequence: nonsense. On other transcripts: non-coding transcript variant (2), intron variant (15).
Genome position (GRCh38, 1-based): chr5:112,818,988, T>A. VCF-style: chr5-112818988-T-A. GRCh37 (hg19) VCF-style: chr5-112154685-T-A.
Other names: c.956T>A, p.Leu319Ter (NM_001127510.3, NM_001354895.2, NM_001354896.2 and 4 more transcripts); c.902T>A, p.Leu301Ter (NM_001127511.3); c.986T>A, p.Leu329Ter (NM_001354897.2, NM_001407446.1); c.881T>A, p.Leu294Ter (NM_001354898.2, NM_001407451.1); c.872T>A, p.Leu291Ter (NM_001354899.2, NM_001407452.1); c.779T>A, p.Leu260Ter (NM_001354900.2, NM_001354901.2, NM_001407453.1); c.107T>A, p.Leu36Ter (NM_001354906.2, NM_001407470.1); c.85-281T>A (NM_001407472.1, NM_001407471.1); and 5 more; short protein forms L260*, L291*, L294*, L301*, L319*, L329*, L36*.
Identifiers: ClinVar variation 2584162 (VCV002584162.1), dbSNP rs2149778946, ClinGen allele CA16023400.